The following is an entry in ClinVar:

NM_006009.4(TUBA1A):c.282A>G (p.Thr94=)

Gene: TUBA1A (tubulin alpha 1a; minus strand). Cytogenetic location: 12q13.12.
Variant type: single nucleotide variant.
Coding change: c.282A>G on transcript NM_006009.4 (MANE Select); coding-DNA position 282, A replaced by G.
Protein change: p.Thr94=; no amino-acid change (threonine 94 retained).
Molecular consequence: synonymous variant.
Genome position (GRCh38, 1-based): chr12:49,186,403, T>C on the plus strand (A>G on the coding strand, the complement: TUBA1A is on the minus strand). VCF-style: chr12-49186403-T-C. GRCh37 (hg19) VCF-style: chr12-49580186-T-C.
Other names: c.282A>G, p.Thr94= (NM_001270399.2); c.177A>G, p.Thr59= (NM_001270400.2).
Identifiers: ClinVar variation 3040389 (VCV003040389.3), dbSNP rs1422885671, ClinGen allele CA384643493.
Genomic context (GRCh38, chr12:49,186,403, plus strand): 5'-GATCTCCTTGCCAATGGTGTAGTGCCCTCGGGCATAGTTATTGGCAGCATCTTCTTTGCC[T>C]GTGATAAGTTGCTCAGGGTGGAAGAGCTGGCGGTAGGTGCCAGTGCGAACTTCATCTGGA-3'
Protein context (NP_006000.2, residues 84-104): RQLFHPEQLI[Thr94=]GKEDAANNYA

ClinVar aggregate classification (germline): Likely benign. Review status: criteria provided, single submitter (1 of 4 stars). 2 submissions from 2 submitters: Likely benign (1). 1 of the submissions does not count toward it. Last evaluated 2024-10-02.

Conditions:
TUBA1A-related disorder. Also called: TUBA1A-related condition.

Submissions (2):

Blueprint Genetics
Classification: Likely benign. Last evaluated: 2024-10-02. Review status: criteria provided, single submitter. Criteria: ACMG Guidelines, 2015. Collection method: clinical testing. Allele origin: germline.

PreventionGenetics, part of Exact Sciences
Classification: Likely benign for TUBA1A-related condition. Last evaluated: 2019-09-26. Review status: no assertion criteria provided. Collection method: clinical testing. Allele origin: germline. Not counted in ClinVar's aggregate classification.
Comment: This variant is classified as likely benign based on ACMG/AMP sequence variant interpretation guidelines (Richards et al. 2015 PMID: 25741868, with internal and published modifications).